The following is an entry in ClinVar:

ClinVar aggregate classification (germline): Uncertain significance (1 of 4 stars; one submission).

Conditions:
Gastrointestinal stromal tumor. Also called: Gastrointestinal stroma tumor; Gastrointestinal stromal tumor, somatic. Identifiers: Orphanet 44890, MedGen C0238198, MeSH D046152, MONDO:0011719, OMIM 606764, HP:0100723.

gnomAD v4.1: 1 of 1,614,002 alleles (0.000062%); highest among the groups gnomAD compares: African/African-American, 0.0013%; no homozygotes.

Submission:

Labcorp Genetics (formerly Invitae), Labcorp
Classification: Uncertain significance for Gastrointestinal stromal tumor. Last evaluated: 2024-07-22. Review status: criteria provided, single submitter. Criteria: Invitae Variant Classification Sherloc (09022015). Collection method: clinical testing. Allele origin: germline.
Comment: This sequence change replaces threonine, which is neutral and polar, with serine, which is neutral and polar, at codon 440 of the PDGFRA protein (p.Thr440Ser). This variant is present in population databases (no rsID available, gnomAD 0.01%). This variant has not been reported in the literature in individuals affected with PDGFRA-related conditions. ClinVar contains an entry for this variant (Variation ID: 1972215). Advanced modeling of protein sequence and biophysical properties (such as structural, functional, and spatial information, amino acid conservation, physicochemical variation, residue mobility, and thermodynamic stability) performed at Invitae indicates that this missense variant is not expected to disrupt PDGFRA protein function with a negative predictive value of 80%. In summary, the available evidence is currently insufficient to determine the role of this variant in disease. Therefore, it has been classified as a Variant of Uncertain Significance.

NM_006206.6(PDGFRA):c.1318A>T (p.Thr440Ser)

Gene: PDGFRA (platelet derived growth factor receptor alpha; plus strand). Cytogenetic location: 4q12.
Variant type: single nucleotide variant.
Coding change: c.1318A>T on transcript NM_006206.6 (MANE Select); coding-DNA position 1318, A replaced by T.
Protein change: p.Thr440Ser; replaces threonine 440 with serine.
Molecular consequence: missense variant.
Genome position (GRCh38, 1-based): chr4:54,272,474, A>T. VCF-style: chr4-54272474-A-T. GRCh37 (hg19) VCF-style: chr4-55138641-A-T.
Other names: c.1318A>T, p.Thr440Ser (NM_001347827.2, NM_001347829.2); c.1393A>T, p.Thr465Ser (NM_001347828.2); c.1357A>T, p.Thr453Ser (NM_001347830.2); short protein forms T440S, T465S, T453S.
Identifiers: ClinVar variation 1972215 (VCV001972215.5), dbSNP rs1038766927, ClinGen allele CA96855783.
Genomic context (GRCh38, chr4:54,272,474, plus strand): 5'-TTGGTCGATGATCACCATGGCTCAACTGGGGGACAGACGGTGAGGTGCACAGCTGAAGGC[A>T]CGCCGCTTCCTGATATTGAGTGGATGATATGCAAAGATATTAAGAAGTATGGAAAACAGA-3'
Protein context (NP_006197.1, residues 430-450): GQTVRCTAEG[Thr440Ser]PLPDIEWMIC